The following is an entry in ClinVar:

NM_172364.5(CACNA2D4):c.224A>G (p.Glu75Gly)

Gene: CACNA2D4 (calcium voltage-gated channel auxiliary subunit alpha2delta 4; minus strand). Cytogenetic location: 12p13.33.
Variant type: single nucleotide variant.
Coding change: c.224A>G on transcript NM_172364.5 (MANE Select); coding-DNA position 224, A replaced by G.
Protein change: p.Glu75Gly; replaces glutamic acid 75 with glycine.
Molecular consequence: missense variant.
Genome position (GRCh38, 1-based): chr12:1,918,250, T>C on the plus strand (A>G on the coding strand, the complement: CACNA2D4 is on the minus strand). VCF-style: chr12-1918250-T-C. GRCh37 (hg19) VCF-style: chr12-2027416-T-C.
Other names: short protein forms E75G.
Identifiers: ClinVar variation 1472542 (VCV001472542.8), dbSNP rs1435400023, ClinGen allele CA383365789.

ClinVar aggregate classification (germline): Uncertain significance (1 of 4 stars; one submission).

Submission:

Labcorp Genetics (formerly Invitae), Labcorp
Classification: Uncertain significance. Last evaluated: 2021-07-01. Review status: criteria provided, single submitter. Criteria: Invitae Variant Classification Sherloc (09022015). Collection method: clinical testing. Allele origin: germline.
Comment: In summary, the available evidence is currently insufficient to determine the role of this variant in disease. Therefore, it has been classified as a Variant of Uncertain Significance. This sequence change replaces glutamic acid with glycine at codon 75 of the CACNA2D4 protein (p.Glu75Gly). The glutamic acid residue is weakly conserved and there is a moderate physicochemical difference between glutamic acid and glycine. This variant is not present in population databases (ExAC no frequency). This variant has not been reported in the literature in individuals affected with CACNA2D4-related conditions. Algorithms developed to predict the effect of missense changes on protein structure and function are either unavailable or do not agree on the potential impact of this missense change (SIFT: "Deleterious"; PolyPhen-2: "Benign"; Align-GVGD: "Class C0").